The following is an entry in ClinVar:

ClinVar aggregate classification (germline): Uncertain significance (1 of 4 stars; one submission).

Conditions:
Hereditary cancer-predisposing syndrome. Also called: Neoplastic Syndromes, Hereditary; Tumor predisposition; Hereditary Cancer Syndrome; Hereditary neoplastic syndrome. Identifiers: Orphanet 140162, MedGen C0027672, MeSH D009386, MONDO:0015356.

Submission:

Ambry Genetics
Classification: Uncertain significance for Hereditary cancer-predisposing syndrome. Last evaluated: 2026-03-02. Review status: criteria provided, single submitter. Criteria: Ambry Variant Classification Scheme 2023. Collection method: clinical testing. Allele origin: germline.
Comment: The p.A595D variant (also known as c.1784C>A), located in coding exon 11 of the RAD50 gene, results from a C to A substitution at nucleotide position 1784. The alanine at codon 595 is replaced by aspartic acid, an amino acid with dissimilar properties. This amino acid position is conserved. In addition, the in silico prediction for this alteration is inconclusive. Based on the available evidence, the clinical significance of this variant remains unclear.

NM_005732.4(RAD50):c.1784C>A (p.Ala595Asp)

Gene: RAD50 (RAD50 double strand break repair protein; plus strand). Cytogenetic location: 5q31.1.
Variant type: single nucleotide variant.
Coding change: c.1784C>A on transcript NM_005732.4 (MANE Select); coding-DNA position 1784, C replaced by A.
Protein change: p.Ala595Asp; replaces alanine 595 with aspartic acid.
Molecular consequence: missense variant.
Genome position (GRCh38, 1-based): chr5:132,592,025, C>A. VCF-style: chr5-132592025-C-A. GRCh37 (hg19) VCF-style: chr5-131927717-C-A.
Other names: short protein forms A595D.
Identifiers: ClinVar variation 4826859 (VCV004826859.1).